The following is an entry in ClinVar:

ClinVar aggregate classification (germline): Pathogenic. Review status: criteria provided, multiple submitters, no conflicts (2 of 4 stars). 3 submissions from 3 submitters: Pathogenic (3). Last evaluated 2024-06-05.

Conditions:
Hereditary cancer-predisposing syndrome. Also called: Tumor predisposition; Hereditary neoplastic syndrome; Neoplastic Syndromes, Hereditary; Hereditary Cancer Syndrome. Identifiers: Orphanet 140162, MedGen C0027672, MeSH D009386, MONDO:0015356.
Familial cancer of breast. Also called: hereditary breast carcinoma; Hereditary breast cancer; BREAST CANCER, FAMILIAL. Identifiers: Orphanet 227535, MedGen C0346153, MONDO:0016419, OMIM 114480. Disease mechanism: loss of function.

Submissions (3):

Labcorp Genetics (formerly Invitae), Labcorp
Classification: Pathogenic for Familial cancer of breast. Last evaluated: 2024-06-05. Review status: criteria provided, single submitter. Criteria: Invitae Variant Classification Sherloc (09022015). Collection method: clinical testing. Allele origin: germline.
Comment: This sequence change creates a premature translational stop signal (p.Trp411*) in the CHEK2 gene. It is expected to result in an absent or disrupted protein product. Loss-of-function variants in CHEK2 are known to be pathogenic (PMID: 21876083, 24713400). This variant is not present in population databases (gnomAD no frequency). This premature translational stop signal has been observed in individual(s) with breast cancer (PMID: 29271107, 29785153, 31159747). It has also been observed to segregate with disease in related individuals. ClinVar contains an entry for this variant (Variation ID: 818661). For these reasons, this variant has been classified as Pathogenic.

Myriad Genetics, Inc.
Classification: Pathogenic for Familial cancer of breast. Last evaluated: 2023-06-28. Review status: criteria provided, single submitter. Criteria: Myriad Autosomal Dominant, Autosomal Recessive and X-Linked Classification Criteria (2023). Collection method: clinical testing. Allele origin: unknown.
Comment: This variant is considered pathogenic. This variant creates a termination codon and is predicted to result in premature protein truncation.

Ambry Genetics
Classification: Pathogenic for Hereditary cancer-predisposing syndrome. Last evaluated: 2021-06-25. Review status: criteria provided, single submitter. Criteria: Ambry Variant Classification Scheme 2023. Collection method: clinical testing. Allele origin: germline.
Comment: The p.W411* pathogenic mutation (also known as c.1233G>A), located in coding exon 10 of the CHEK2 gene, results from a G to A substitution at nucleotide position 1233. This changes the amino acid from a tryptophan to a stop codon within coding exon 10. This alteration is expected to result in loss of function by premature protein truncation or nonsense-mediated mRNA decay. As such, this alteration is interpreted as a disease-causing mutation.

Literature cited by the submitters: PubMed 21876083 (cited by Labcorp Genetics (formerly Invitae), Labcorp); PubMed 24713400 (cited by Labcorp Genetics (formerly Invitae), Labcorp); PubMed 29271107 (cited by Labcorp Genetics (formerly Invitae), Labcorp); PubMed 29785153 (cited by Labcorp Genetics (formerly Invitae), Labcorp); PubMed 31159747 (cited by Labcorp Genetics (formerly Invitae), Labcorp).

NM_007194.4(CHEK2):c.1233G>A (p.Trp411Ter)

Gene: CHEK2 (checkpoint kinase 2; minus strand). Cytogenetic location: 22q12.1.
Variant type: single nucleotide variant.
Coding change: c.1233G>A on transcript NM_007194.4 (MANE Select); coding-DNA position 1233, G replaced by A.
Protein change: p.Trp411Ter; replaces tryptophan 411 with a stop codon.
Molecular consequence: nonsense.
Genome position (GRCh38, 1-based): chr22:28,695,736, C>T on the plus strand (G>A on the coding strand, the complement: CHEK2 is on the minus strand). VCF-style: chr22-28695736-C-T. GRCh37 (hg19) VCF-style: chr22-29091724-C-T.
Other names: c.1362G>A, p.Trp454Ter (NM_001005735.3); c.570G>A, p.Trp190Ter (NM_001257387.3); c.1032G>A, p.Trp344Ter (NM_001349956.3); c.1146G>A, p.Trp382Ter (NM_145862.3); short protein forms W344*, W190*, W382*, W411*, W454*.
Identifiers: ClinVar variation 818661 (VCV000818661.14), dbSNP rs1064796572, ClinGen allele CA411096641.